The following is an entry in ClinVar:

NM_001195263.2(PDZD7):c.1523-214G>C

Gene: PDZD7 (PDZ domain containing 7; minus strand). Cytogenetic location: 10q24.31.
Variant type: single nucleotide variant.
Coding change: c.1523-214G>C on transcript NM_001195263.2 (MANE Select); 214 bases into the intron before coding-DNA position 1523, G replaced by C.
Molecular consequence: intron variant.
Genome position (GRCh38, 1-based): chr10:101,016,641, C>G on the plus strand (G>C on the coding strand, the complement: PDZD7 is on the minus strand). VCF-style: chr10-101016641-C-G. GRCh37 (hg19) VCF-style: chr10-102776398-C-G.
Identifiers: ClinVar variation 683842 (VCV000683842.1), dbSNP rs7090429, ClinGen allele CA13312201.

ClinVar aggregate classification (germline): Benign (1 of 4 stars; one submission).

Allele frequency attached by ClinVar (database versions not stated): gnomAD 0.28800 and 0.29677; TOPMed 0.30690; 1000 Genomes Project 0.30751; 1000 Genomes Project 30x 0.31871.
gnomAD v4.1: 43,523 of 152,186 alleles (29%); highest among the groups gnomAD compares: African/African-American, 60%; 9,101 homozygotes.

Submission:

GeneDx
Classification: Benign. Last evaluated: 2018-06-14. Review status: criteria provided, single submitter. Criteria: GeneDx Variant Classification (06012015). Collection method: clinical testing. Allele origin: germline. Affected: yes.
Comment: This variant is considered likely benign or benign based on one or more of the following criteria: it is a conservative change, it occurs at a poorly conserved position in the protein, it is predicted to be benign by multiple in silico algorithms, and/or has population frequency not consistent with disease.